The following is an entry in ClinVar:

NM_000377.3(WAS):c.121C>T (p.Arg41Ter)

Gene: WAS (WASP actin nucleation promoting factor; plus strand). Cytogenetic location: Xp11.23.
Variant type: single nucleotide variant.
Coding change: c.121C>T on transcript NM_000377.3 (MANE Select); coding-DNA position 121, C replaced by T.
Protein change: p.Arg41Ter; replaces arginine 41 with a stop codon.
Molecular consequence: nonsense.
Genome position (GRCh38, 1-based): chrX:48,683,974, C>T. VCF-style: chrX-48683974-C-T. GRCh37 (hg19) VCF-style: chrX-48542363-C-T.
Other names: short protein forms R41*.
Identifiers: ClinVar variation 945596 (VCV000945596.11), dbSNP rs11545907, ClinGen allele CA329099985.

ClinVar aggregate classification (germline): Pathogenic. Review status: criteria provided, single submitter (1 of 4 stars). 2 submissions from 2 submitters: Pathogenic (1). 1 of the submissions does not count toward it. Last evaluated 2022-08-23.

Conditions:
Thrombocytopenia 1. Also called: X-Linked Thrombocytopenia (XLT); THROMBOCYTOPENIA, X-LINKED, 1; X-linked thrombocytopenia with normal platelets. Identifiers: Orphanet 268322, Orphanet 852, MedGen C1839163, MONDO:0010743, OMIM 313900.
X-linked severe congenital neutropenia (SCNX). Identifiers: Orphanet 86788, MedGen C1845987, MONDO:0010294, OMIM 300299.
Wiskott-Aldrich syndrome (WAS). Also called: ALDRICH SYNDROME; IMMUNODEFICIENCY 2; WISKOTT-ALDRICH SYNDROME 1; Wiskott-aldrich syndrome, somatic. Identifiers: Orphanet 906, MedGen C0043194, MONDO:0010518, OMIM 301000.
WAS-related disorder. Also called: WAS-Related Disorders; WAS-related condition. Identifiers: MedGen CN381538.

Submissions (2):

Labcorp Genetics (formerly Invitae), Labcorp
Classification: Pathogenic for Wiskott-Aldrich syndrome; X-linked severe congenital neutropenia; Thrombocytopenia 1. Last evaluated: 2022-08-23. Review status: criteria provided, single submitter. Criteria: Invitae Variant Classification Sherloc (09022015). Collection method: clinical testing. Allele origin: germline.
Comment: For these reasons, this variant has been classified as Pathogenic. ClinVar contains an entry for this variant (Variation ID: 945596). This variant is also known as 155C>T. This premature translational stop signal has been observed in individual(s) with Wiskott-Aldrich syndrome (PMID: 8528198, 15497008, 21185603, 25862925, 27566838). This variant is not present in population databases (gnomAD no frequency). This sequence change creates a premature translational stop signal (p.Arg41*) in the WAS gene. It is expected to result in an absent or disrupted protein product. Loss-of-function variants in WAS are known to be pathogenic (PMID: 15284122).

PreventionGenetics, part of Exact Sciences
Classification: Pathogenic for WAS-related condition. Last evaluated: 2024-01-29. Review status: no assertion criteria provided. Collection method: clinical testing. Allele origin: germline. Not counted in ClinVar's aggregate classification.
Comment: The WAS c.121C>T variant is predicted to result in premature protein termination (p.Arg41*). This variant has been reported to be causative for Wiskott-Aldrich syndrome (Kolluri et al. 1995. PubMed ID: 8528198; Gulácsy et al. 2010. PubMed ID: 21185603; Vignesh et al. 2016. PubMed ID: 27566838). This variant has also been reported in individuals with suspected primary immunodeficiency (Platt et al. 2020. PubMed ID: 32888943. Table E2). This variant has not been reported in a large population database, indicating this variant is rare. Nonsense variants in WAS are expected to be pathogenic. This variant is interpreted as pathogenic.

Literature cited by the submitters: PubMed 8528198 (cited by Labcorp Genetics (formerly Invitae), Labcorp); PubMed 15497008 (cited by Labcorp Genetics (formerly Invitae), Labcorp); PubMed 21185603 (cited by Labcorp Genetics (formerly Invitae), Labcorp); PubMed 25862925 (cited by Labcorp Genetics (formerly Invitae), Labcorp); PubMed 27566838 (cited by Labcorp Genetics (formerly Invitae), Labcorp); PubMed 15284122 (cited by Labcorp Genetics (formerly Invitae), Labcorp).